The following is an entry in ClinVar:

ClinVar aggregate classification (germline): Uncertain significance (1 of 4 stars; one submission).

gnomAD v4.1: 3 of 1,613,678 alleles (0.00019%); highest among the groups gnomAD compares: Non-Finnish European, 0.00025%; no homozygotes.

Submission:

Labcorp Genetics (formerly Invitae), Labcorp
Classification: Uncertain significance. Last evaluated: 2024-08-14. Review status: criteria provided, single submitter. Criteria: Invitae Variant Classification Sherloc (09022015). Collection method: clinical testing. Allele origin: germline.
Comment: This sequence change replaces glutamic acid, which is acidic and polar, with glutamine, which is neutral and polar, at codon 274 of the CLUAP1 protein (p.Glu274Gln). This variant is not present in population databases (gnomAD no frequency). This variant has not been reported in the literature in individuals affected with CLUAP1-related conditions. Invitae Evidence Modeling of protein sequence and biophysical properties (such as structural, functional, and spatial information, amino acid conservation, physicochemical variation, residue mobility, and thermodynamic stability) indicates that this missense variant is not expected to disrupt CLUAP1 protein function with a negative predictive value of 80%. In summary, the available evidence is currently insufficient to determine the role of this variant in disease. Therefore, it has been classified as a Variant of Uncertain Significance.

NM_015041.3(CLUAP1):c.820G>C (p.Glu274Gln)

Gene: CLUAP1 (clusterin associated protein 1; plus strand). Cytogenetic location: 16p13.3.
Variant type: single nucleotide variant.
Coding change: c.820G>C on transcript NM_015041.3 (MANE Select); coding-DNA position 820, G replaced by C.
Protein change: p.Glu274Gln; replaces glutamic acid 274 with glutamine.
Molecular consequence: missense variant.
Genome position (GRCh38, 1-based): chr16:3,523,264, G>C. VCF-style: chr16-3523264-G-C. GRCh37 (hg19) VCF-style: chr16-3573264-G-C.
Other names: c.820G>C, p.Glu274Gln (NM_001330454.2); c.322G>C, p.Glu108Gln (NM_024793.3); short protein forms E108Q, E274Q.
Identifiers: ClinVar variation 3606209 (VCV003606209.2).
Genomic context (GRCh38, chr16:3,523,264, plus strand): 5'-AAGCAGTATGACACTTATCTGGAGAAATTTCAAAATCTGACTTATCTGGAACAACAGCTT[G>C]AAGACCATCATAGGATGGAGCAAGAAAGGTTTGAGGTGAGCTGAGCCTGTCCTCTGTTCA-3'
Protein context (NP_055856.1, residues 264-284): QNLTYLEQQL[Glu274Gln]DHHRMEQERF